The following is an entry in ClinVar:

ClinVar aggregate classification (germline): Conflicting classifications of pathogenicity. Review status: criteria provided, conflicting classifications (1 of 4 stars). 7 submissions from 7 submitters: Pathogenic (2); Likely pathogenic (1); Uncertain significance (4). Last evaluated 2026-07-01.

Conditions:
Neurofibromatosis-Noonan syndrome (NFNS). Also called: NEUROFIBROMATOSIS WITH NOONAN PHENOTYPE. Identifiers: Orphanet 638, MedGen C2931482, MONDO:0011035, OMIM 601321. Disease mechanism: loss of function.
Hereditary cancer-predisposing syndrome. Also called: Neoplastic Syndromes, Hereditary; Hereditary Cancer Syndrome; Hereditary neoplastic syndrome; Tumor predisposition. Identifiers: Orphanet 140162, MedGen C0027672, MeSH D009386, MONDO:0015356.
Cardiovascular phenotype. Identifiers: MedGen CN230736.
Neurofibromatosis, type 1 (NF1). Also called: VON RECKLINGHAUSEN DISEASE; Neurofibromatosis, type I; Peripheral type neurofibromatosis; NEUROFIBROMATOSIS, TYPE I, SOMATIC. Identifiers: Orphanet 636, MedGen C0027831, MONDO:0018975, OMIM 162200. Disease mechanism: loss of function.

gnomAD v4.1: 1 of 1,614,088 alleles (0.000062%); no homozygotes.

Submissions (7):

Ambry Genetics
Classification: Likely pathogenic for Cardiovascular phenotype; Hereditary cancer-predisposing syndrome. Last evaluated: 2026-07-01. Review status: criteria provided, single submitter. Criteria: Ambry Variant Classification Scheme 2023. Collection method: clinical testing. Allele origin: germline.
Comment: The p.P1826L variant (also known as c.5477C>T), located in coding exon 37 of the NF1 gene, results from a C to T substitution at nucleotide position 5477. The proline at codon 1826 is replaced by leucine, an amino acid with similar properties. This variant was reported in individual(s) with features consistent with neurofibromatosis type 1 (van Minkelen R et al. Clin Genet, 2014 Apr;85:318-27; external communication; Ambry internal data). This missense variant is located in a region that has a low rate of benign missense variation (Lek M et al. Nature. 2016 Aug 18;536(7616):285-91; DECIPHER: Database of Chromosomal Imbalance and Phenotype in Humans using Ensembl Resources. Firth H.V. et al. 2009. Am.J.Hum.Genet. 84, 524-533 (DOI)). This amino acid position is highly conserved in available vertebrate species. In addition, this alteration is predicted to be deleterious by in silico analysis. This variant is considered to be rare based on population cohorts in the Genome Aggregation Database (gnomAD). Based on the majority of available evidence to date, this variant is likely to be pathogenic.

Women's Health and Genetics/Laboratory Corporation of America, LabCorp
Classification: Pathogenic for Neurofibromatosis, type 1. Last evaluated: 2026-03-26. Review status: criteria provided, single submitter. Criteria: LabCorp Variant Classification Summary - May 2015. Collection method: clinical testing. Allele origin: germline.
Comment: Variant summary: NF1 c.5477C>T (p.Pro1826Leu) results in a non-conservative amino acid change in the encoded protein sequence. Algorithms developed to predict the effect of missense changes on protein structure and function all suggest that this variant is likely to be disruptive, which is supported by internally developed computational models. The variant was absent in 251296 control chromosomes. c.5477C>T has been observed in individual(s) affected with Neurofibromatosis Type 1 (Wang_2025, internal data). These data indicate that the variant may be associated with disease. To our knowledge, no experimental evidence demonstrating an impact on protein function has been reported. The following publication has been ascertained in the context of this evaluation (PMID: 41372492). ClinVar contains an entry for this variant (Variation ID: 571903). Based on the evidence outlined above, the variant was classified as pathogenic.

Clinical Genomics Laboratory, Washington University in St. Louis
Classification: Uncertain significance for Neurofibromatosis, type 1. Last evaluated: 2025-12-14. Review status: criteria provided, single submitter. Criteria: ACMG Guidelines, 2015. Collection method: clinical testing. Allele origin: germline.
Comment: An NF1 c.5540C>T (p.Pro1847Leu) variant was identified at an allelic fraction consistent with somatic origin. This variant, to our knowledge, has not been reported in the medical literature. It has been reported in the ClinVar database as a germline variant of uncertain significance by four submitters and a pathogenic variant by one submitter (Variation ID: 834726). It is observed on only 1/1,614,088 alleles in the general population (gnomAD v4.1.0), indicating it is not a common variant. This variant resides within a region, leucine rich domain (amino acids 1579-1971), of NF1 that is defined as a critical functional domain (Baez-Flores J et al., PMID: 37081086; Izawa I et al., PMID: 8612763). Computational predictors indicate that the variant is damaging, evidence that correlates with impact to NF1 function. Due to limited information, and based on internally developed protocol informed by the ACMG/AMP guidelines for variant interpretation and gene-specific practices from the ClinGen Criteria Specification Registry (Leon-Quintero FZ et al., PMID: 39434542), the clinical significance of the NF1 c.5540C>T (p.Pro1847Leu) is uncertain at this time.

GeneDx
Classification: Uncertain significance. Last evaluated: 2024-08-22. Review status: criteria provided, single submitter. Criteria: GeneDx Variant Classification Process June 2021. Collection method: clinical testing. Allele origin: germline. Affected: yes.
Comment: Not observed at significant frequency in large population cohorts (gnomAD); In silico analysis supports that this missense variant has a deleterious effect on protein structure/function; Has not been previously published as pathogenic or benign to our knowledge; This variant is associated with the following publications: (PMID: 23656349)

Quest Diagnostics Nichols Institute San Juan Capistrano
Classification: Uncertain significance. Last evaluated: 2023-12-12. Review status: criteria provided, single submitter. Criteria: Quest Diagnostics criteria. Collection method: clinical testing. Allele origin: unknown.

3billion
Classification: Uncertain significance for Neurofibromatosis-Noonan syndrome. Last evaluated: 2023-08-09. Review status: criteria provided, single submitter. Criteria: ACMG Guidelines, 2015. Collection method: clinical testing. Allele origin: germline. Affected: yes.
Comment: The variant is not observed in the gnomAD v2.1.1 dataset. Predicted Consequence/Location: Missense variant In silico tool predictions suggest damaging effect of the variant on gene or gene product [REVEL: 0.68 (>=0.6, sensitivity 0.68 and specificity 0.92); 3Cnet: 0.88 (>=0.6, sensitivity 0.72 and precision 0.9)]. Same nucleotide change resulting in same amino acid change has been previously reported to be associated with NF1 related disorder (ClinVar ID: VCV000571903). However, the evidence of pathogenicity is insufficient at this time. Therefore, this variant is classified as VUS according to the recommendation of ACMG/AMP guideline.

Labcorp Genetics (formerly Invitae), Labcorp
Classification: Pathogenic for Neurofibromatosis, type 1. Last evaluated: 2022-10-31. Review status: criteria provided, single submitter. Criteria: Invitae Variant Classification Sherloc (09022015). Collection method: clinical testing. Allele origin: germline.
Comment: For these reasons, this variant has been classified as Pathogenic. Advanced modeling of protein sequence and biophysical properties (such as structural, functional, and spatial information, amino acid conservation, physicochemical variation, residue mobility, and thermodynamic stability) performed at Invitae indicates that this missense variant is expected to disrupt NF1 protein function. ClinVar contains an entry for this variant (Variation ID: 571903). This missense change has been observed in individual(s) with neurofibromatosis type 1 (Invitae). This variant is not present in population databases (gnomAD no frequency). This sequence change replaces proline, which is neutral and non-polar, with leucine, which is neutral and non-polar, at codon 1826 of the NF1 protein (p.Pro1826Leu).

Literature cited by the submitters: PubMed 23656349 (cited by Ambry Genetics); PubMed 41372492 (cited by Women's Health and Genetics/Laboratory Corporation of America, LabCorp).

NM_001042492.3(NF1):c.5540C>T (p.Pro1847Leu)

Gene: NF1 (neurofibromin 1; plus strand). Cytogenetic location: 17q11.2.
Variant type: single nucleotide variant.
Coding change: c.5540C>T on transcript NM_001042492.3 (MANE Select); coding-DNA position 5540, C replaced by T.
Protein change: p.Pro1847Leu; replaces proline 1847 with leucine.
Molecular consequence: missense variant.
Genome position (GRCh38, 1-based): chr17:31,327,770, C>T. VCF-style: chr17-31327770-C-T. GRCh37 (hg19) VCF-style: chr17-29654788-C-T.
Other names: c.5477C>T, p.Pro1826Leu (NM_000267.4); short protein forms P1826L, P1847L.
Identifiers: ClinVar variation 571903 (VCV000571903.13), dbSNP rs1555533631, ClinGen allele CA399009817.